The following is an entry in ClinVar:

ClinVar aggregate classification (germline): Pathogenic (1 of 4 stars; one submission).

Submission:

Labcorp Genetics (formerly Invitae), Labcorp
Classification: Pathogenic. Last evaluated: 2023-01-15. Review status: criteria provided, single submitter. Criteria: Invitae Variant Classification Sherloc (09022015). Collection method: clinical testing. Allele origin: germline.
Comment: For these reasons, this variant has been classified as Pathogenic. Algorithms developed to predict the effect of sequence changes on RNA splicing suggest that this variant may create or strengthen a splice site. This variant has not been reported in the literature in individuals affected with HPS4-related conditions. This variant is not present in population databases (gnomAD no frequency). This sequence change creates a premature translational stop signal (p.Gln49*) in the HPS4 gene. It is expected to result in an absent or disrupted protein product. Loss-of-function variants in HPS4 are known to be pathogenic (PMID: 12664304).

Literature cited by the submitters: PubMed 12664304.

NM_022081.6(HPS4):c.145C>T (p.Gln49Ter)

Gene: HPS4 (HPS4 biogenesis of lysosomal organelles complex 3 subunit 2; minus strand). Cytogenetic location: 22q12.1.
Variant type: single nucleotide variant.
Coding change: c.145C>T on transcript NM_022081.6 (MANE Select); coding-DNA position 145, C replaced by T.
Protein change: p.Gln49Ter; replaces glutamine 49 with a stop codon.
Molecular consequence: nonsense. On other transcripts: non-coding transcript variant (8).
Genome position (GRCh38, 1-based): chr22:26,477,124, G>A on the plus strand (C>T on the coding strand, the complement: HPS4 is on the minus strand). VCF-style: chr22-26477124-G-A. GRCh37 (hg19) VCF-style: chr22-26873090-G-A.
Other names: c.145C>T, p.Gln49Ter (NM_001349896.1, NM_001349898.2, NM_001349899.2 and 7 more transcripts); c.130C>T, p.Gln44Ter (NM_152841.2); short protein forms Q44*, Q49*.
Identifiers: ClinVar variation 2826538 (VCV002826538.3), dbSNP rs2518592169, ClinGen allele CA411032862.